The following is an entry in ClinVar:

NM_001034853.2(RPGR):c.2074G>C (p.Gly692Arg)

Gene: RPGR (retinitis pigmentosa GTPase regulator; minus strand). Cytogenetic location: Xp11.4.
Variant type: single nucleotide variant.
Coding change: c.2074G>C on transcript NM_001034853.2 (MANE Select); coding-DNA position 2074, G replaced by C.
Protein change: p.Gly692Arg; replaces glycine 692 with arginine.
Molecular consequence: missense variant. On other transcripts: intron variant (8).
Genome position (GRCh38, 1-based): chrX:38,286,925, C>G on the plus strand (G>C on the coding strand, the complement: RPGR is on the minus strand). VCF-style: chrX-38286925-C-G. GRCh37 (hg19) VCF-style: chrX-38146178-C-G.
Other names: c.1569+4034G>C (NM_001367249.1, NM_001367250.1); c.1902+169G>C (NM_001367245.1); c.1386+4034G>C (NM_001367251.1); c.1719+169G>C (NM_001367246.1); c.1572+4034G>C (NM_001367247.1); c.1905+169G>C (NM_000328.3); c.1602+4034G>C (NM_001367248.1); short protein forms G692R.
Identifiers: ClinVar variation 4882375 (VCV004882375.2).

ClinVar aggregate classification (germline): Uncertain significance (1 of 4 stars; one submission).

Conditions:
Retinitis pigmentosa 3. Also called: CHOROIDORETINAL DEGENERATION WITH RETINAL REFLEX IN HETEROZYGOUS WOMEN. Identifiers: Orphanet 791, MedGen C1845667, MONDO:0010227, OMIM 300029.

Submission:

Dasa
Classification: Uncertain significance for Retinitis pigmentosa 3. Last evaluated: 2025-10-09. Review status: criteria provided, single submitter. Criteria: DASA Assertion Criteria. Collection method: clinical testing. Allele origin: germline.
Comment: NM_001034853.2(RPGR):c.2074G>C (p.Gly692Arg) is a missense variant that results in the substitution of glycine with arginine. This variant is absent from population databases. Computational prediction algorithms are consistent with a benign effect. The currently available literature and clinical evidence are not sufficient to establish a definitive association between this variant and the reported condition. Therefore, this variant is classified as a variant of uncertain significance.